The following is an entry in ClinVar:

ClinVar aggregate classification (germline): Conflicting classifications of pathogenicity. Review status: criteria provided, conflicting classifications (1 of 4 stars). 2 submissions from 2 submitters: Uncertain significance (1); Likely benign (1). Last evaluated 2026-02-08.

Conditions:
EXPH5-related disorder. Also called: EXPH5-related condition.
Inborn genetic diseases. Identifiers: MedGen C0950123, MeSH D030342.

gnomAD v4.1: 723 of 1,614,176 alleles (0.045%); highest among the groups gnomAD compares: South Asian, 0.68%; 3 homozygotes.

Submissions (2):

PreventionGenetics, part of Exact Sciences
Classification: Likely benign for EXPH5-related condition. Last evaluated: 2026-02-08. Review status: criteria provided, single submitter. Criteria: ACMG Guidelines, 2015. Collection method: clinical testing. Allele origin: germline.
Comment: This variant is classified as likely benign based on ACMG/AMP sequence variant interpretation guidelines (Richards et al. 2015 PMID: 25741868, with internal and published modifications).

Ambry Genetics
Classification: Uncertain significance for Inborn genetic diseases. Last evaluated: 2024-12-16. Review status: criteria provided, single submitter. Criteria: Ambry Variant Classification Scheme 2023. Collection method: clinical testing. Allele origin: germline.

NM_015065.3(EXPH5):c.4766C>A (p.Ser1589Tyr)

Gene: EXPH5 (exophilin 5; minus strand). Cytogenetic location: 11q22.3.
Variant type: single nucleotide variant.
Coding change: c.4766C>A on transcript NM_015065.3 (MANE Select); coding-DNA position 4766, C replaced by A.
Protein change: p.Ser1589Tyr; replaces serine 1589 with tyrosine.
Molecular consequence: missense variant.
Genome position (GRCh38, 1-based): chr11:108,510,741, G>T on the plus strand (C>A on the coding strand, the complement: EXPH5 is on the minus strand). VCF-style: chr11-108510741-G-T. GRCh37 (hg19) VCF-style: chr11-108381468-G-T.
Other names: c.4538C>A, p.Ser1513Tyr (NM_001144763.2); c.4298C>A, p.Ser1433Tyr (NM_001144764.2); c.4202C>A, p.Ser1401Tyr (NM_001144765.2); c.4745C>A, p.Ser1582Tyr (NM_001308019.2); short protein forms S1401Y, S1433Y, S1513Y, S1589Y, S1582Y.
Identifiers: ClinVar variation 3846852 (VCV003846852.2).
Genomic context (GRCh38, chr11:108,510,741, plus strand): 5'-TCTTTAGCTGGGAATTTTCTGCTGGCTTTAGACATGGCTGCCAATCTGTGTTTAACTGAA[G>T]ATCTATTTTCCCCCTTTACTAGGTCATCCAAGTTGGTTTTATTTTTGTTTCCTTCAGGAA-3'
Protein context (NP_055880.2, residues 1579-1599): LDDLVKGENR[Ser1589Tyr]SVKHRLAAMS